The following is an entry in ClinVar:

NM_001083619.3(GRIA2):c.1590G>A (p.Lys530=)

Gene: GRIA2 (glutamate ionotropic receptor AMPA type subunit 2; plus strand). Cytogenetic location: 4q32.1.
Variant type: single nucleotide variant.
Coding change: c.1590G>A on transcript NM_001083619.3 (MANE Select); coding-DNA position 1590, G replaced by A.
Protein change: p.Lys530=; no amino-acid change (lysine 530 retained).
Molecular consequence: synonymous variant.
Genome position (GRCh38, 1-based): chr4:157,336,493, G>A. VCF-style: chr4-157336493-G-A. GRCh37 (hg19) VCF-style: chr4-158257645-G-A.
Other names: c.1590G>A, p.Lys530= (NM_000826.6); c.1449G>A, p.Lys483= (NM_001083620.3, NM_001379000.3, NM_001379001.3).
Identifiers: ClinVar variation 2655156 (VCV002655156.24), dbSNP rs1047075678, ClinGen allele CA109186723.
Genomic context (GRCh38, chr4:157,336,493, plus strand): 5'-TGACTTCTCAAAGCCCTTCATGAGCCTCGGGATATCTATCATGATCAAGAAGCCTCAGAA[G>A]TCCAAACCAGGAGTGTTTTCCTTTCTTGATCCTTTAGCCTATGAGATCTGGATGTGCATT-3'
Protein context (NP_001077088.2, residues 520-540): GISIMIKKPQ[Lys530=]SKPGVFSFLD

ClinVar aggregate classification (germline): Likely benign (1 of 4 stars; one submission).

Allele frequency attached by ClinVar (database versions not stated): gnomAD 0.00001; gnomAD exomes 0.00001; TOPMed 0.00002.
gnomAD v4.1: 10 of 1,613,254 alleles (0.00062%); highest among the groups gnomAD compares: African/African-American, 0.0027%; no homozygotes.

Submission:

CeGaT Center for Human Genetics Tuebingen
Classification: Likely benign. Last evaluated: 2022-04-01. Review status: criteria provided, single submitter. Criteria: CeGaT Center For Human Genetics Tuebingen Variant Classification Criteria Version 2. Collection method: clinical testing. Allele origin: germline. Affected: yes. Observed: 1 variant allele.
Comment: GRIA2: BP4